The following is an entry in ClinVar:

ClinVar aggregate classification (germline): Uncertain significance (1 of 4 stars; one submission).

Conditions:
Dilated cardiomyopathy 1G (CMD1G). Identifiers: Orphanet 154, MedGen C1858763, MONDO:0011400, OMIM 604145.
Autosomal recessive limb-girdle muscular dystrophy type 2J (LGMDR10). Also called: Limb-girdle muscular dystrophy, type 2J; MUSCULAR DYSTROPHY, LIMB-GIRDLE, AUTOSOMAL RECESSIVE 10. Identifiers: Orphanet 140922, MedGen C1837342, MONDO:0012127, OMIM 608807.

Submission:

Labcorp Genetics (formerly Invitae), Labcorp
Classification: Uncertain significance for Dilated cardiomyopathy 1G; Autosomal recessive limb-girdle muscular dystrophy type 2J. Last evaluated: 2019-08-26. Review status: criteria provided, single submitter. Criteria: Invitae Variant Classification Sherloc (09022015). Collection method: clinical testing. Allele origin: germline.
Comment: Algorithms developed to predict the effect of missense changes on protein structure and function are unavailable for the TTN gene. This variant is located in the M band of TTN (PMID: 25589632). Variants in this region may be relevant for neuromuscular disorders, but have not been definitively shown to cause cardiomyopathy (PMID: 23975875). In summary, the available evidence is currently insufficient to determine the role of this variant in disease. Therefore, it has been classified as a Variant of Uncertain Significance. This variant has not been reported in the literature in individuals with TTN-related conditions. This variant is not present in population databases (ExAC no frequency). This sequence change replaces lysine with threonine at codon 35472 of the TTN protein (p.Lys35472Thr). There is a moderate physicochemical difference between lysine and threonine.

Literature cited by the submitters: PubMed 25589632; PubMed 23975875.

NM_001267550.2(TTN):c.106415A>C (p.Lys35472Thr)

Genes: TTN-AS1 (TTN antisense RNA 1; plus strand), TTN (titin; minus strand). Cytogenetic location: 2q31.2.
Variant type: single nucleotide variant.
Coding change: c.106415A>C on transcript NM_001267550.2 (MANE Select); coding-DNA position 106415, A replaced by C.
Protein change: p.Lys35472Thr; replaces lysine 35472 with threonine.
Molecular consequence: missense variant.
Genome position (GRCh38, 1-based): chr2:178,530,076, T>G on the plus strand (A>C on the coding strand, the complement: TTN is on the minus strand). VCF-style: chr2-178530076-T-G. GRCh37 (hg19) VCF-style: chr2-179394803-T-G.
Other names: c.101492A>C, p.Lys33831Thr (NM_001256850.1); c.79220A>C, p.Lys26407Thr (NM_003319.4); c.98711A>C, p.Lys32904Thr (NM_133378.4); c.79595A>C, p.Lys26532Thr (NM_133432.3); c.79796A>C, p.Lys26599Thr (NM_133437.4); short protein forms K26407T, K26599T, K33831T, K26532T, K32904T, K35472T.
Identifiers: ClinVar variation 940084 (VCV000940084.8), dbSNP rs1688385311, ClinGen allele CA349405424.